The following is an entry in ClinVar:

NM_001044.5(SLC6A3):c.1633C>T (p.Pro545Ser)

Gene: SLC6A3 (solute carrier family 6 member 3). Cytogenetic location: 5p15.33.
Variant type: single nucleotide variant.
Coding change: c.1633C>T on transcript NM_001044.5 (MANE Select); coding-DNA position 1633, C replaced by T.
Protein change: p.Pro545Ser; replaces proline 545 with serine.
Molecular consequence: missense variant.
Genome position (GRCh38, 1-based): chr5:1,403,056, G>A on the plus strand (C>T on the coding strand, the complement: SLC6A3 is on the minus strand). VCF-style: chr5-1403056-G-A. GRCh37 (hg19) VCF-style: chr5-1403171-G-A.
Other names: short protein forms P545S.
Identifiers: ClinVar variation 2127365 (VCV002127365.4), dbSNP rs373894271, ClinGen allele CA359074432.

ClinVar aggregate classification (germline): Uncertain significance (1 of 4 stars; one submission).

Conditions:
Parkinsonism-dystonia, infantile. Identifiers: Orphanet 238455, MedGen C2751067, MONDO:0013150.

Submission:

Labcorp Genetics (formerly Invitae), Labcorp
Classification: Uncertain significance for Parkinsonism-dystonia, infantile. Last evaluated: 2023-12-18. Review status: criteria provided, single submitter. Criteria: Invitae Variant Classification Sherloc (09022015). Collection method: clinical testing. Allele origin: germline.
Comment: This sequence change replaces proline, which is neutral and non-polar, with serine, which is neutral and polar, at codon 545 of the SLC6A3 protein (p.Pro545Ser). This variant is not present in population databases (gnomAD no frequency). This variant has not been reported in the literature in individuals affected with SLC6A3-related conditions. ClinVar contains an entry for this variant (Variation ID: 2127365). An algorithm developed to predict the effect of missense changes on protein structure and function (PolyPhen-2) suggests that this variant is likely to be tolerated. In summary, the available evidence is currently insufficient to determine the role of this variant in disease. Therefore, it has been classified as a Variant of Uncertain Significance.